The following is an entry in ClinVar:

NM_005633.4(SOS1):c.1271A>G (p.Glu424Gly)

Gene: SOS1 (SOS Ras/Rac guanine nucleotide exchange factor 1; minus strand). Cytogenetic location: 2p22.1.
Variant type: single nucleotide variant.
Coding change: c.1271A>G on transcript NM_005633.4 (MANE Select); coding-DNA position 1271, A replaced by G.
Protein change: p.Glu424Gly; replaces glutamic acid 424 with glycine.
Molecular consequence: missense variant.
Genome position (GRCh38, 1-based): chr2:39,023,157, T>C on the plus strand (A>G on the coding strand, the complement: SOS1 is on the minus strand). VCF-style: chr2-39023157-T-C. GRCh37 (hg19) VCF-style: chr2-39250298-T-C.
Other names: p.E424G:GAG>GGG; c.1250A>G, p.Glu417Gly (NM_001382394.1); c.1271A>G, p.Glu424Gly (NM_001382395.1); short protein forms E424G, E417G.
Identifiers: ClinVar variation 181550 (VCV000181550.19), dbSNP rs730881042, ClinGen allele CA297261.
Genomic context (GRCh38, chr2:39,023,157, plus strand): 5'-AATTCATTACAACACTGTCCAATGTCTTTTCCCTCCCAACCATCAATATTCTTCTGAATC[T>C]CGTTCATCTTCTTGATTGCTAGTTGTTTCCCCTTCATTTGCTGACTATAAAACCGACATG-3'
Protein context (NP_005624.2, residues 414-434): GKQLAIKKMN[Glu424Gly]IQKNIDGWEG

ClinVar aggregate classification (germline): Conflicting classifications of pathogenicity. Review status: criteria provided, conflicting classifications (1 of 4 stars). 8 submissions from 7 submitters: Likely pathogenic (1); Uncertain significance (6); Likely benign (1). Last evaluated 2026-08-17.

Conditions:
SOS1-related disorder. Also called: SOS1-related condition.
Cardiovascular phenotype. Identifiers: MedGen CN230736.
RASopathy. Also called: Noonan spectrum disorder; rasopathies. Identifiers: Orphanet 536391, MedGen C5555857, MONDO:0021060.
Fibromatosis, gingival, 1 (GINGF1). Identifiers: Orphanet 2024, MedGen C4551558, MONDO:0007609, OMIM 135300.
Noonan syndrome 4 (NS4). Also called: SOS1-Related Noonan Syndrome; NOONAN SYNDROME WITH PIGMENTED VILLONODULAR SYNOVITIS. Identifiers: Orphanet 648, MedGen C1853120, MONDO:0012547, OMIM 610733.

Allele frequency attached by ClinVar (database versions not stated): gnomAD exomes below 0.00001 and 0.00001; ExAC 0.00001; gnomAD 0.00001; TOPMed 0.00002.
gnomAD v4.1: 17 of 1,613,190 alleles (0.0011%); highest among the groups gnomAD compares: African/African-American, 0.0027%; no homozygotes.

Submissions (8):

PreventionGenetics, part of Exact Sciences
Classification: Uncertain significance for SOS1-related condition. Last evaluated: 2026-08-17. Review status: criteria provided, single submitter. Criteria: ACMG Guidelines, 2015. Collection method: clinical testing. Allele origin: germline.
Comment: The SOS1 c.1271A>G variant is predicted to result in the amino acid substitution p.Glu424Gly. This variant has been reported with a de novo SHOC2 variant in an individual with Noonan-like syndrome with loose anagen hair (Mazzanti et al. 2013. PubMed ID: 24124081). This variant is reported in 0.0062% of alleles in individuals of African descent in gnomAD. At this time, the clinical significance of this variant is uncertain due to the absence of conclusive functional and genetic evidence.

GeneDx
Classification: Likely benign. Last evaluated: 2026-06-11. Review status: criteria provided, single submitter. Criteria: GeneDx Variant Classification Process June 2021. Collection method: clinical testing. Allele origin: germline.
Comment: See Variant Classification Assertion Criteria.

Labcorp Genetics (formerly Invitae), Labcorp
Classification: Likely pathogenic for RASopathy. Last evaluated: 2026-02-02. Review status: criteria provided, single submitter. Criteria: Invitae Variant Classification Sherloc (09022015). Collection method: clinical testing. Allele origin: germline.
Comment: This sequence change replaces glutamic acid, which is acidic and polar, with glycine, which is neutral and non-polar, at codon 424 of the SOS1 protein (p.Glu424Gly). This variant is present in population databases (rs730881042, gnomAD 0.007%). This missense change has been observed in individuals with Noonan syndrome (internal data). ClinVar contains an entry for this variant (Variation ID: 181550). Invitae Evidence Modeling of protein sequence and biophysical properties (such as structural, functional, and spatial information, amino acid conservation, physicochemical variation, residue mobility, and thermodynamic stability) indicates that this missense variant is expected to disrupt SOS1 protein function with a positive predictive value of 95%. In summary, the currently available evidence indicates that the variant is pathogenic, but additional data are needed to prove that conclusively. Therefore, this variant has been classified as Likely Pathogenic.

St. Jude Molecular Pathology, St. Jude Children's Research Hospital
Classification: Uncertain significance for Noonan syndrome 4. Last evaluated: 2025-06-17. Review status: criteria provided, single submitter. Criteria: St. Jude Assertion Criteria 2020. Collection method: clinical testing. Allele origin: germline.
Comment: The SOS1 c.1271A>G p.(Glu424Gly) missense change has a maximum subpopulation frequency of 0.006% in gnomAD v2.1.1. The in silico tool REVEL predicts a deleterious effect on protein function, but to our knowledge this prediction has not been confirmed by functional studies. This variant was reported to co-occur with a de novo SHOC2 variant in an individual with Noonan-like syndrome with loose anagen hair (PMID: 24124081). In summary, the evidence currently available is insufficient to determine the clinical significance of this variant. It has therefore been classified as of uncertain significance.

Baylor Genetics
Classification: Uncertain significance for Noonan syndrome 4. Last evaluated: 2023-09-27. Review status: criteria provided, single submitter. Criteria: ACMG Guidelines, 2015. Collection method: clinical testing. Allele origin: unknown.

Ambry Genetics
Classification: Uncertain significance for Cardiovascular phenotype. Last evaluated: 2020-05-04. Review status: criteria provided, single submitter. Criteria: Ambry Variant Classification Scheme 2023. Collection method: clinical testing. Allele origin: germline.
Comment: The p.E424G variant (also known as c.1271A>G), located in coding exon 10 of the SOS1 gene, results from an A to G substitution at nucleotide position 1271. The glutamic acid at codon 424 is replaced by glycine, an amino acid with similar properties. This variant has been reported to co-occur with SHOC2 p.S2G (c.4A>G) in one individual with Noonan-like syndrome with loose anagen hair (Mazzanti L et al. Am. J. Med. Genet. A, 2013 Nov;161A:2756-61). This amino acid position is highly conserved in available vertebrate species. In addition, this alteration is predicted to be deleterious by in silico analysis. Since supporting evidence is limited at this time, the clinical significance of this alteration remains unclear.

Genome-Nilou Lab
Classification: Uncertain significance for Noonan syndrome 4. Review status: criteria provided, single submitter. Criteria: ACMG Guidelines, 2015. Collection method: clinical testing. Allele origin: germline.

Genome-Nilou Lab
Classification: Uncertain significance for Fibromatosis, gingival, 1. Review status: criteria provided, single submitter. Criteria: ACMG Guidelines, 2015. Collection method: clinical testing. Allele origin: germline.

Literature cited by the submitters: PubMed 24124081 (cited by Ambry Genetics).